The following is an entry in ClinVar:

ClinVar aggregate classification (germline): Uncertain significance. Review status: criteria provided, multiple submitters, no conflicts (2 of 4 stars). 2 submissions from 2 submitters: Uncertain significance (2). Last evaluated 2025-12-06.

Conditions:
Neuromuscular disease caused by qualitative or quantitative defects of dysferlin. Also called: Qualitative or quantitative defects of dysferlin; Dysferlinopathy. Identifiers: Orphanet 207073, MedGen C2931687, MONDO:0016145.

Submissions (2):

Labcorp Genetics (formerly Invitae), Labcorp
Classification: Uncertain significance for Neuromuscular disease caused by qualitative or quantitative defects of dysferlin. Last evaluated: 2025-12-06. Review status: criteria provided, single submitter. Criteria: Invitae Variant Classification Sherloc (09022015). Collection method: clinical testing. Allele origin: germline.
Comment: This sequence change replaces tryptophan, which is neutral and slightly polar, with serine, which is neutral and polar, at codon 1477 of the DYSF protein (p.Trp1477Ser). This variant is not present in population databases (gnomAD no frequency). This variant has not been reported in the literature in individuals affected with DYSF-related conditions. ClinVar contains an entry for this variant (Variation ID: 1003170). Invitae Evidence Modeling of protein sequence and biophysical properties (such as structural, functional, and spatial information, amino acid conservation, physicochemical variation, residue mobility, and thermodynamic stability) indicates that this missense variant is expected to disrupt DYSF protein function with a positive predictive value of 95%. In summary, the available evidence is currently insufficient to determine the role of this variant in disease. Therefore, it has been classified as a Variant of Uncertain Significance.

Revvity Omics, Revvity
Classification: Uncertain significance. Last evaluated: 2019-07-17. Review status: criteria provided, single submitter. Criteria: ACMG Guidelines, 2015. Collection method: clinical testing. Allele origin: germline.

NM_001130987.2(DYSF):c.4547G>C (p.Trp1516Ser)

Gene: DYSF (dysferlin; plus strand). Cytogenetic location: 2p13.2.
Variant type: single nucleotide variant.
Coding change: c.4547G>C on transcript NM_001130987.2 (MANE Select); coding-DNA position 4547, G replaced by C.
Protein change: p.Trp1516Ser; replaces tryptophan 1516 with serine.
Molecular consequence: missense variant.
Genome position (GRCh38, 1-based): chr2:71,643,984, G>C. VCF-style: chr2-71643984-G-C. GRCh37 (hg19) VCF-style: chr2-71871114-G-C.
Other names: c.4430G>C (NM_003494.3); c.4433G>C, p.Trp1478Ser (NM_001130455.2); c.4388G>C, p.Trp1463Ser (NM_001130976.2); c.4451G>C, p.Trp1484Ser (NM_001130977.2); c.4493G>C, p.Trp1498Ser (NM_001130978.2); c.4523G>C, p.Trp1508Ser (NM_001130979.2); c.4481G>C, p.Trp1494Ser (NM_001130980.2); c.4544G>C, p.Trp1515Ser (NM_001130981.2); and 6 more; short protein forms W1463S, W1464S, W1477S, W1478S, W1484S, W1485S, W1494S, W1495S.
Identifiers: ClinVar variation 1003170 (VCV001003170.11), dbSNP rs755781770, ClinGen allele CA347217843.